The following is an entry in ClinVar:

NM_001103.4(ACTN2):c.2056A>G (p.Ile686Val)

Gene: ACTN2 (actinin alpha 2; plus strand). Cytogenetic location: 1q43.
Variant type: single nucleotide variant.
Coding change: c.2056A>G on transcript NM_001103.4 (MANE Select); coding-DNA position 2056, A replaced by G.
Protein change: p.Ile686Val; replaces isoleucine 686 with valine.
Molecular consequence: missense variant.
Genome position (GRCh38, 1-based): chr1:236,755,100, A>G. VCF-style: chr1-236755100-A-G. GRCh37 (hg19) VCF-style: chr1-236918400-A-G.
Other names: c.2056A>G, p.Ile686Val (NM_001278343.2); c.1432A>G, p.Ile478Val (NM_001278344.2); c.1306A>G, p.Ile436Val (NM_001412150.1); short protein forms I686V, I478V, I436V.
Identifiers: ClinVar variation 1785131 (VCV001785131.7), dbSNP rs534607483, ClinGen allele CA39741779.

ClinVar aggregate classification (germline): Conflicting classifications of pathogenicity. Review status: criteria provided, conflicting classifications (1 of 4 stars). 2 submissions from 2 submitters: Uncertain significance (1); Likely benign (1). Last evaluated 2025-07-06.

Conditions:
Cardiovascular phenotype. Identifiers: MedGen CN230736.
Dilated cardiomyopathy 1AA (CMD1AA). Also called: CARDIOMYOPATHY, DILATED, 1AA, WITH OR WITHOUT LEFT VENTRICULAR NONCOMPACTION; CARDIOMYOPATHY, FAMILIAL HYPERTROPHIC, 23, WITH OR WITHOUT LEFT VENTRICULAR NONCOMPACTION; Cardiomyopathy, dilated, 1AA, with or without LVNC. Identifiers: Orphanet 154, MedGen C2677338, MONDO:0012808, OMIM 612158.
Primary familial hypertrophic cardiomyopathy (HCM). Identifiers: Orphanet 99739, MedGen C0949658, MeSH D024741, MONDO:0024573. Inheritance: Various modes of inheritance.

Allele frequency attached by ClinVar (database versions not stated): gnomAD 0.00001; 1000 Genomes Project 0.00020; 1000 Genomes Project 30x 0.00031.
gnomAD v4.1: 9 of 1,614,226 alleles (0.00056%); highest among the groups gnomAD compares: Admixed American, 0.0017%; no homozygotes.

Submissions (2):

Labcorp Genetics (formerly Invitae), Labcorp
Classification: Likely benign for Primary familial hypertrophic cardiomyopathy; Dilated cardiomyopathy 1AA. Last evaluated: 2025-07-06. Review status: criteria provided, single submitter. Criteria: Invitae Variant Classification Sherloc (09022015). Collection method: clinical testing. Allele origin: germline.

Ambry Genetics
Classification: Uncertain significance for Cardiovascular phenotype. Last evaluated: 2021-07-18. Review status: criteria provided, single submitter. Criteria: Ambry Variant Classification Scheme 2023. Collection method: clinical testing. Allele origin: germline.
Comment: The p.I686V variant (also known as c.2056A>G), located in coding exon 17 of the ACTN2 gene, results from an A to G substitution at nucleotide position 2056. The isoleucine at codon 686 is replaced by valine, an amino acid with highly similar properties. This amino acid position is conserved. In addition, this alteration is predicted to be tolerated by in silico analysis. Since supporting evidence is limited at this time, the clinical significance of this alteration remains unclear.